The following is an entry in ClinVar:

NM_006785.4(MALT1):c.818del (p.Lys273fs)

Gene: MALT1 (MALT1 paracaspase; plus strand). Cytogenetic location: 18q21.32.
Variant type: Deletion.
Coding change: c.818del on transcript NM_006785.4 (MANE Select); coding-DNA position 818, one base deleted (A; older notation c.818delA).
Protein change: p.Lys273fs; shifts the reading frame from lysine 273.
Molecular consequence: frameshift variant.
Genome position (GRCh38, 1-based): chr18:58,709,546, A deleted; the last of 5 consecutive A bases (chr18:58,709,542-58,709,546); deleting any one gives the same sequence. VCF-style (leftmost placement, unchanged base first): chr18-58709541-CA-C. GRCh37 (hg19) VCF-style: chr18-56376773-CA-C.
Other names: c.818del, p.Lys273fs (NM_173844.3); short protein forms K273fs.
Identifiers: ClinVar variation 1454020 (VCV001454020.6), dbSNP rs2144387739, ClinGen allele CA2573155465.

ClinVar aggregate classification (germline): Pathogenic (1 of 4 stars; one submission).

Conditions:
Combined immunodeficiency due to MALT1 deficiency. Also called: Immunodeficiency 12. Identifiers: Orphanet 397964, MedGen C3809583, MONDO:0014197, OMIM 615468.

Submission:

Labcorp Genetics (formerly Invitae), Labcorp
Classification: Pathogenic for Combined immunodeficiency due to MALT1 deficiency. Last evaluated: 2024-05-25. Review status: criteria provided, single submitter. Criteria: Invitae Variant Classification Sherloc (09022015). Collection method: clinical testing. Allele origin: germline.
Comment: This sequence change creates a premature translational stop signal (p.Lys273Serfs*32) in the MALT1 gene. It is expected to result in an absent or disrupted protein product. Loss-of-function variants in MALT1 are known to be pathogenic (PMID: 23727036, 25627829). This variant is not present in population databases (gnomAD no frequency). This variant has not been reported in the literature in individuals affected with MALT1-related conditions. ClinVar contains an entry for this variant (Variation ID: 1454020). For these reasons, this variant has been classified as Pathogenic.

Literature cited by the submitters: PubMed 23727036; PubMed 25627829.